The following is an entry in ClinVar:

ClinVar aggregate classification (germline): Conflicting classifications of pathogenicity. Review status: criteria provided, conflicting classifications (1 of 4 stars). 2 submissions from 2 submitters: Likely pathogenic (1); Uncertain significance (1). Last evaluated 2025-04-03.

Submissions (2):

GeneDx
Classification: Uncertain significance. Last evaluated: 2025-04-03. Review status: criteria provided, single submitter. Criteria: GeneDx Variant Classification Process June 2021. Collection method: clinical testing. Allele origin: germline. Affected: yes.
Comment: Not observed at significant frequency in large population cohorts (gnomAD); Missense variants in this gene are a common cause of disease and they are underrepresented in the general population; In silico analysis supports that this missense variant has a deleterious effect on protein structure/function; Has not been previously published as pathogenic or benign to our knowledge; This variant is associated with the following publications: (PMID: 20829227)

Labcorp Genetics (formerly Invitae), Labcorp
Classification: Likely pathogenic. Last evaluated: 2024-09-18. Review status: criteria provided, single submitter. Criteria: Invitae Variant Classification Sherloc (09022015). Collection method: clinical testing. Allele origin: germline.
Comment: This sequence change replaces proline, which is neutral and non-polar, with serine, which is neutral and polar, at codon 287 of the TUBB3 protein (p.Pro287Ser). This variant is not present in population databases (gnomAD no frequency). This missense change has been observed in individual(s) with TUBB3-related conditions (internal data). In at least one individual the variant was observed to be de novo. Invitae Evidence Modeling of protein sequence and biophysical properties (such as structural, functional, and spatial information, amino acid conservation, physicochemical variation, residue mobility, and thermodynamic stability) indicates that this missense variant is not expected to disrupt TUBB3 protein function with a negative predictive value of 80%. In summary, the currently available evidence indicates that the variant is pathogenic, but additional data are needed to prove that conclusively. Therefore, this variant has been classified as Likely Pathogenic.

NM_006086.4(TUBB3):c.859C>T (p.Pro287Ser)

Gene: TUBB3 (tubulin beta 3 class III; plus strand). Cytogenetic location: 16q24.3.
Variant type: single nucleotide variant.
Coding change: c.859C>T on transcript NM_006086.4 (MANE Select); coding-DNA position 859, C replaced by T.
Protein change: p.Pro287Ser; replaces proline 287 with serine.
Molecular consequence: missense variant.
Genome position (GRCh38, 1-based): chr16:89,935,310, C>T. VCF-style: chr16-89935310-C-T. GRCh37 (hg19) VCF-style: chr16-90001718-C-T.
Other names: c.859C>T (NM_006086.3); c.643C>T, p.Pro215Ser (NM_001197181.2); short protein forms P215S, P287S.
Identifiers: ClinVar variation 3639796 (VCV003639796.3).